The following is an entry in ClinVar:

NM_004336.5(BUB1):c.2246A>G (p.Lys749Arg)

Gene: BUB1 (BUB1 mitotic checkpoint serine/threonine kinase; minus strand). Cytogenetic location: 2q13.
Variant type: single nucleotide variant.
Coding change: c.2246A>G on transcript NM_004336.5 (MANE Select); coding-DNA position 2246, A replaced by G.
Protein change: p.Lys749Arg; replaces lysine 749 with arginine.
Molecular consequence: missense variant.
Genome position (GRCh38, 1-based): chr2:110,649,335, T>C on the plus strand (A>G on the coding strand, the complement: BUB1 is on the minus strand). VCF-style: chr2-110649335-T-C. GRCh37 (hg19) VCF-style: chr2-111406912-T-C.
Other names: c.2186A>G, p.Lys729Arg (NM_001278616.2); c.2246A>G, p.Lys749Arg (NM_001278617.2); short protein forms K729R, K749R.
Identifiers: ClinVar variation 1788345 (VCV001788345.3), dbSNP rs758701136, ClinGen allele CA1827835.

ClinVar aggregate classification (germline): Uncertain significance (1 of 4 stars; one submission).

Allele frequency attached by ClinVar (database versions not stated): TOPMed below 0.00001; ExAC 0.00001; gnomAD 0.00001; gnomAD exomes 0.00001.
gnomAD v4.1: 10 of 1,610,230 alleles (0.00062%); highest among the groups gnomAD compares: South Asian, 0.0011%; no homozygotes.

Submission:

Ambry Genetics
Classification: Uncertain significance. Last evaluated: 2023-07-29. Review status: criteria provided, single submitter. Criteria: Ambry Variant Classification Scheme 2023. Collection method: clinical testing. Allele origin: germline.
Comment: The p.K749R variant (also known as c.2246A>G), located in coding exon 19 of the BUB1 gene, results from an A to G substitution at nucleotide position 2246. The lysine at codon 749 is replaced by arginine, an amino acid with highly similar properties. This amino acid position is conserved. In addition, this alteration is predicted to be tolerated by in silico analysis. Since supporting evidence is limited at this time, the clinical significance of this alteration remains unclear.